The following is an entry in ClinVar:

ClinVar aggregate classification (germline): Uncertain significance (1 of 4 stars; one submission).

Allele frequency attached by ClinVar (database versions not stated): gnomAD exomes below 0.00001.
gnomAD v4.1: 1 of 1,613,636 alleles (0.000062%); highest among the groups gnomAD compares: Non-Finnish European, 0.000085%; no homozygotes.

Submission:

GeneDx
Classification: Uncertain significance. Last evaluated: 2023-04-26. Review status: criteria provided, single submitter. Criteria: GeneDx Variant Classification Process June 2021. Collection method: clinical testing. Allele origin: germline. Affected: yes.
Comment: Not observed at significant frequency in large population cohorts (gnomAD); In silico analysis supports that this missense variant has a deleterious effect on protein structure/function; Has not been previously published as pathogenic or benign to our knowledge

NM_020791.4(TAOK1):c.2142T>G (p.Ser714Arg)

Gene: TAOK1 (TAO kinase 1; plus strand). Cytogenetic location: 17q11.2.
Variant type: single nucleotide variant.
Coding change: c.2142T>G on transcript NM_020791.4 (MANE Select); coding-DNA position 2142, T replaced by G.
Protein change: p.Ser714Arg; replaces serine 714 with arginine.
Molecular consequence: missense variant. On other transcripts: intron variant (1).
Genome position (GRCh38, 1-based): chr17:29,522,513, T>G. VCF-style: chr17-29522513-T-G. GRCh37 (hg19) VCF-style: chr17-27849531-T-G.
Other names: c.1705-7894T>G (NM_025142.1); short protein forms S714R.
Identifiers: ClinVar variation 2662733 (VCV002662733.1), dbSNP rs2508304770, ClinGen allele CA398912099.